The following is an entry in ClinVar:

ClinVar aggregate classification (germline): Uncertain significance (1 of 4 stars; one submission).

Allele frequency attached by ClinVar (database versions not stated): gnomAD exomes below 0.00001; ExAC 0.00001.
gnomAD v4.1: 1 of 1,612,466 alleles (0.000062%); highest among the groups gnomAD compares: South Asian, 0.0011%; no homozygotes.

Submission:

Labcorp Genetics (formerly Invitae), Labcorp
Classification: Uncertain significance. Last evaluated: 2021-06-22. Review status: criteria provided, single submitter. Criteria: Invitae Variant Classification Sherloc (09022015). Collection method: clinical testing. Allele origin: germline.
Comment: This variant is present in population databases (rs779222916, ExAC 0.006%). This sequence change replaces tyrosine with cysteine at codon 582 of the PDE6B protein (p.Tyr582Cys). The tyrosine residue is highly conserved and there is a large physicochemical difference between tyrosine and cysteine. This variant has not been reported in the literature in individuals with PDE6B-related conditions. Algorithms developed to predict the effect of missense changes on protein structure and function are either unavailable or do not agree on the potential impact of this missense change (SIFT: "Deleterious"; PolyPhen-2: "Probably Damaging"; Align-GVGD: "Class C0"). In summary, the available evidence is currently insufficient to determine the role of this variant in disease. Therefore, it has been classified as a Variant of Uncertain Significance.

NM_000283.4(PDE6B):c.1745A>G (p.Tyr582Cys)

Gene: PDE6B (phosphodiesterase 6B; plus strand). Cytogenetic location: 4p16.3.
Variant type: single nucleotide variant.
Coding change: c.1745A>G on transcript NM_000283.4 (MANE Select); coding-DNA position 1745, A replaced by G.
Protein change: p.Tyr582Cys; replaces tyrosine 582 with cysteine.
Molecular consequence: missense variant.
Genome position (GRCh38, 1-based): chr4:662,531, A>G. VCF-style: chr4-662531-A-G. GRCh37 (hg19) VCF-style: chr4-656320-A-G.
Other names: c.1745A>G, p.Tyr582Cys (NM_001145291.2); c.908A>G, p.Tyr303Cys (NM_001145292.2, NM_001350154.3, NM_001379246.1 and 1 more transcripts); c.590A>G, p.Tyr197Cys (NM_001350155.3); short protein forms Y197C, Y582C, Y303C.
Identifiers: ClinVar variation 1363052 (VCV001363052.8), dbSNP rs779222916, ClinGen allele CA2794669.